The following is an entry in ClinVar:

NM_001142800.2(EYS):c.-273C>G

Gene: EYS (EGF-like photoreceptor maintenance factor; minus strand). Cytogenetic location: 6q12.
Variant type: single nucleotide variant.
Coding change: c.-273C>G on transcript NM_001142800.2 (MANE Select); 273 bases upstream of the start codon, C replaced by G.
Molecular consequence: 5 prime UTR variant.
Genome position (GRCh38, 1-based): chr6:65,495,934, G>C on the plus strand (C>G on the coding strand, the complement: EYS is on the minus strand). VCF-style: chr6-65495934-G-C. GRCh37 (hg19) VCF-style: chr6-66205827-G-C.
Other names: c.-273C>G (NM_001142801.2, NM_001292009.2, NM_198283.2).
Identifiers: ClinVar variation 1360020 (VCV001360020.4), dbSNP rs1766240592, ClinGen allele CA1634250177.

ClinVar aggregate classification (germline): Uncertain significance (1 of 4 stars; one submission).

Allele frequency attached by ClinVar (database versions not stated): TOPMed below 0.00001.

Submission:

Labcorp Genetics (formerly Invitae), Labcorp
Classification: Uncertain significance. Last evaluated: 2025-04-21. Review status: criteria provided, single submitter. Criteria: Invitae Variant Classification Sherloc (09022015). Collection method: clinical testing. Allele origin: germline.
Comment: This variant occurs in a non-coding region of the EYS gene. It does not change the encoded amino acid sequence of the EYS protein. This variant is not present in population databases (gnomAD no frequency). This variant has not been reported in the literature in individuals affected with EYS-related conditions. ClinVar contains an entry for this variant (Variation ID: 1360020). In summary, the available evidence is currently insufficient to determine the role of this variant in disease. Therefore, it has been classified as a Variant of Uncertain Significance.